The following is an entry in ClinVar:

NM_006662.3(SRCAP):c.2467G>A (p.Glu823Lys)

Gene: SRCAP (Snf2 related CREBBP activator protein; plus strand). Cytogenetic location: 16p11.2.
Variant type: single nucleotide variant.
Coding change: c.2467G>A on transcript NM_006662.3 (MANE Select); coding-DNA position 2467, G replaced by A.
Protein change: p.Glu823Lys; replaces glutamic acid 823 with lysine.
Molecular consequence: missense variant.
Genome position (GRCh38, 1-based): chr16:30,713,685, G>A. VCF-style: chr16-30713685-G-A. GRCh37 (hg19) VCF-style: chr16-30725006-G-A.
Other names: short protein forms E823K.
Identifiers: ClinVar variation 4708700 (VCV004708700.1).

ClinVar aggregate classification (germline): Uncertain significance (1 of 4 stars; one submission).

Submission:

Labcorp Genetics (formerly Invitae), Labcorp
Classification: Uncertain significance. Last evaluated: 2025-12-04. Review status: criteria provided, single submitter. Criteria: Invitae Variant Classification Sherloc (09022015). Collection method: clinical testing. Allele origin: germline.
Comment: This sequence change replaces glutamic acid, which is acidic and polar, with lysine, which is basic and polar, at codon 823 of the SRCAP protein (p.Glu823Lys). This variant is not present in population databases (gnomAD no frequency). This variant has not been reported in the literature in individuals affected with SRCAP-related conditions. Invitae Evidence Modeling of protein sequence and biophysical properties (such as structural, functional, and spatial information, amino acid conservation, physicochemical variation, residue mobility, and thermodynamic stability) has been performed for this missense variant. However, the output from this modeling did not meet the statistical confidence thresholds required to predict the impact of this variant on SRCAP protein function. In summary, the available evidence is currently insufficient to determine the role of this variant in disease. Therefore, it has been classified as a Variant of Uncertain Significance.